The following is an entry in ClinVar:

ClinVar aggregate classification (germline): Pathogenic. Review status: criteria provided, multiple submitters, no conflicts (2 of 4 stars). 2 submissions from 2 submitters: Pathogenic (2). Last evaluated 2025-04-01.

Conditions:
Familial thoracic aortic aneurysm and aortic dissection (TAAD). Also called: Thoracic aortic aneurysms and dissections. Identifiers: Orphanet 91387, MedGen C4707243, MONDO:0019625.

Submissions (2):

GeneDx
Classification: Pathogenic. Last evaluated: 2025-04-01. Review status: criteria provided, single submitter. Criteria: GeneDx Variant Classification Process June 2021. Collection method: clinical testing. Allele origin: germline. Affected: yes.
Comment: Nonsense variant predicted to result in protein truncation or nonsense mediated decay in a gene for which loss of function is a known mechanism of disease; Not observed at significant frequency in large population cohorts (gnomAD); This variant is associated with the following publications: (PMID: 30661052)

Labcorp Genetics (formerly Invitae), Labcorp
Classification: Pathogenic for Familial thoracic aortic aneurysm and aortic dissection. Last evaluated: 2024-06-08. Review status: criteria provided, single submitter. Criteria: Invitae Variant Classification Sherloc (09022015). Collection method: clinical testing. Allele origin: germline.
Comment: This sequence change creates a premature translational stop signal (p.Cys121*) in the SMAD3 gene. It is expected to result in an absent or disrupted protein product. Loss-of-function variants in SMAD3 are known to be pathogenic (PMID: 21778426, 24804794). This variant is not present in population databases (gnomAD no frequency). This premature translational stop signal has been observed in individual(s) with clinical features of SMAD3-related condition (PMID: 30661052). For these reasons, this variant has been classified as Pathogenic.

Literature cited by the submitters: PubMed 21778426 (cited by Labcorp Genetics (formerly Invitae), Labcorp); PubMed 24804794 (cited by Labcorp Genetics (formerly Invitae), Labcorp); PubMed 30661052 (cited by Labcorp Genetics (formerly Invitae), Labcorp).

NM_005902.4(SMAD3):c.363C>A (p.Cys121Ter)

Gene: SMAD3 (SMAD family member 3; plus strand). Cytogenetic location: 15q22.33.
Variant type: single nucleotide variant.
Coding change: c.363C>A on transcript NM_005902.4 (MANE Select); coding-DNA position 363, C replaced by A.
Protein change: p.Cys121Ter; replaces cysteine 121 with a stop codon.
Molecular consequence: nonsense.
Genome position (GRCh38, 1-based): chr15:67,165,051, C>A. VCF-style: chr15-67165051-C-A. GRCh37 (hg19) VCF-style: chr15-67457389-C-A.
Other names: c.363C>A (NM_005902.3); c.48C>A, p.Cys16Ter (NM_001145102.2, NM_001407015.1, NM_001407016.1); c.231C>A, p.Cys77Ter (NM_001145103.2); c.363C>A, p.Cys121Ter (NM_001407011.1, NM_001407012.1, NM_001407013.1); c.216C>A, p.Cys72Ter (NM_001407014.1); short protein forms C16*, C72*, C77*, C121*.
Identifiers: ClinVar variation 2884062 (VCV002884062.4), dbSNP rs760286714, ClinGen allele CA392954133.